The following is an entry in ClinVar:

ClinVar aggregate classification (germline): Uncertain significance. Review status: criteria provided, multiple submitters, no conflicts (2 of 4 stars). 3 submissions from 3 submitters: Uncertain significance (3). Last evaluated 2025-12-01.

Allele frequency attached by ClinVar (database versions not stated): TOPMed below 0.00001; gnomAD exomes 0.00002.
gnomAD v4.1: 34 of 1,608,198 alleles (0.0021%); highest among the groups gnomAD compares: African/African-American, 0.0027%; no homozygotes.

Submissions (3):

CeGaT Center for Human Genetics Tuebingen
Classification: Uncertain significance. Last evaluated: 2025-12-01. Review status: criteria provided, single submitter. Criteria: CeGaT Center For Human Genetics Tuebingen Variant Classification Criteria Version 2. Collection method: clinical testing. Allele origin: germline. Affected: yes. Observed: 2 variant alleles.
Comment: COL11A1: PM2, BP4

Labcorp Genetics (formerly Invitae), Labcorp
Classification: Uncertain significance. Last evaluated: 2025-11-21. Review status: criteria provided, single submitter. Criteria: Invitae Variant Classification Sherloc (09022015). Collection method: clinical testing. Allele origin: germline.
Comment: This sequence change falls in intron 29 of the COL11A1 gene. It does not directly change the encoded amino acid sequence of the COL11A1 protein. It affects a nucleotide within the consensus splice site. This variant is present in population databases (rs200307064, gnomAD 0.002%). This variant has not been reported in the literature in individuals affected with COL11A1-related conditions. ClinVar contains an entry for this variant (Variation ID: 1902552). Variants that disrupt the consensus splice site are a relatively common cause of aberrant splicing (PMID: 17576681, 9536098). Algorithms developed to predict the effect of sequence changes on RNA splicing suggest that this variant is not likely to affect RNA splicing. In summary, the available evidence is currently insufficient to determine the role of this variant in disease. Therefore, it has been classified as a Variant of Uncertain Significance.

Blueprint Genetics
Classification: Uncertain significance. Last evaluated: 2021-06-30. Review status: criteria provided, single submitter. Criteria: ACMG Guidelines, 2015. Collection method: clinical testing. Allele origin: germline.

Literature cited by the submitters: PubMed 17576681 (cited by Labcorp Genetics (formerly Invitae), Labcorp); PubMed 9536098 (cited by Labcorp Genetics (formerly Invitae), Labcorp).

NM_001854.4(COL11A1):c.2395-3C>A

Gene: COL11A1 (collagen type XI alpha 1 chain; minus strand). Cytogenetic location: 1p21.1.
Variant type: single nucleotide variant.
Coding change: c.2395-3C>A on transcript NM_001854.4 (MANE Select); 3 bases into the intron before coding-DNA position 2395, C replaced by A.
Molecular consequence: intron variant.
Genome position (GRCh38, 1-based): chr1:102,987,743, G>T on the plus strand (C>A on the coding strand, the complement: COL11A1 is on the minus strand). VCF-style: chr1-102987743-G-T. GRCh37 (hg19) VCF-style: chr1-103453299-G-T.
Other names: c.2278-3C>A (NM_001190709.2); c.2431-3C>A (NM_080629.3); c.2047-3C>A (NM_080630.4).
Identifiers: ClinVar variation 1902552 (VCV001902552.28), dbSNP rs200307064, ClinGen allele CA27706501.